The following is an entry in ClinVar:

NM_007194.4(CHEK2):c.920G>T (p.Gly307Val)

Gene: CHEK2 (checkpoint kinase 2; minus strand). Cytogenetic location: 22q12.1.
Variant type: single nucleotide variant.
Coding change: c.920G>T on transcript NM_007194.4 (MANE Select); coding-DNA position 920, G replaced by T.
Protein change: p.Gly307Val; replaces glycine 307 with valine.
Molecular consequence: missense variant.
Genome position (GRCh38, 1-based): chr22:28,699,926, C>A on the plus strand (G>T on the coding strand, the complement: CHEK2 is on the minus strand). VCF-style: chr22-28699926-C-A. GRCh37 (hg19) VCF-style: chr22-29095914-C-A.
Other names: c.1049G>T, p.Gly350Val (NM_001005735.3); c.257G>T, p.Gly86Val (NM_001257387.3); c.719G>T, p.Gly240Val (NM_001349956.3); c.920G>T, p.Gly307Val (NM_145862.3); short protein forms G86V, G307V, G240V, G350V.
Identifiers: ClinVar variation 3266962 (VCV003266962.1).

ClinVar aggregate classification (germline): Uncertain significance (1 of 4 stars; one submission).

Conditions:
Hereditary cancer-predisposing syndrome. Also called: Hereditary Cancer Syndrome; Tumor predisposition; Hereditary neoplastic syndrome; Neoplastic Syndromes, Hereditary. Identifiers: Orphanet 140162, MedGen C0027672, MeSH D009386, MONDO:0015356.

Submission:

Ambry Genetics
Classification: Uncertain significance for Hereditary cancer-predisposing syndrome. Last evaluated: 2024-05-15. Review status: criteria provided, single submitter. Criteria: Ambry Variant Classification Scheme 2023. Collection method: clinical testing. Allele origin: germline.
Comment: The p.G307V variant (also known as c.920G>T), located in coding exon 8 of the CHEK2 gene, results from a G to T substitution at nucleotide position 920. The glycine at codon 307 is replaced by valine, an amino acid with dissimilar properties. This amino acid position is conserved. In addition, this alteration is predicted to be deleterious by in silico analysis. Based on the available evidence, the clinical significance of this variant remains unclear.